The following is an entry in ClinVar:

NM_000138.5(FBN1):c.4294G>C (p.Asp1432His)

Genes: FBN1 (fibrillin 1; minus strand), LOC126862124 (CDK7 strongly-dependent group 2 enhancer GRCh37_chr15:48764566-48765765; plus strand). Cytogenetic location: 15q21.1.
Variant type: single nucleotide variant.
Coding change: c.4294G>C on transcript NM_000138.5 (MANE Select); coding-DNA position 4294, G replaced by C.
Protein change: p.Asp1432His; replaces aspartic acid 1432 with histidine.
Molecular consequence: missense variant.
Genome position (GRCh38, 1-based): chr15:48,472,593, C>G on the plus strand (G>C on the coding strand, the complement: FBN1 is on the minus strand). VCF-style: chr15-48472593-C-G. GRCh37 (hg19) VCF-style: chr15-48764790-C-G.
Other names: c.4294G>C, p.Asp1432His (NM_001406716.1); short protein forms D1432H.
Identifiers: ClinVar variation 3067747 (VCV003067747.21), dbSNP rs778145681, ClinGen allele CA392317682.
Genomic context (GRCh38, chr15:48,472,593, plus strand): 5'-GGCTTCCCCATCAGTTACCTTCACAGGCTTTCCCGTCAGCACTGGGCACGAAGCCCATGT[C>G]GCATTCACAGCGGTATCCTCCTGGTGCATTGAGGCACTGGCCATTGCCACAGAGATTCAG-3'
Protein context (NP_000129.3, residues 1422-1442): NAPGGYRCEC[Asp1432His]MGFVPSADGK

ClinVar aggregate classification (germline): Uncertain significance (1 of 4 stars; one submission).

gnomAD v4.1: 1 of 1,614,178 alleles (0.000062%); highest among the groups gnomAD compares: Non-Finnish European, 0.000085%; no homozygotes.

Submission:

CeGaT Center for Human Genetics Tuebingen
Classification: Uncertain significance. Last evaluated: 2024-03-01. Review status: criteria provided, single submitter. Criteria: CeGaT Center For Human Genetics Tuebingen Variant Classification Criteria Version 2. Collection method: clinical testing. Allele origin: germline. Affected: yes. Observed: 1 variant allele.
Comment: FBN1: PM1, PM2